The following is an entry in ClinVar:

ClinVar aggregate classification (germline): Uncertain significance (1 of 4 stars; one submission).

Conditions:
Hereditary spastic paraplegia 57. Also called: Spastic paraplegia 57, autosomal recessive. Identifiers: Orphanet 431329, MedGen C3714897, MONDO:0014295, OMIM 615658.
Hereditary motor and sensory neuropathy, Okinawa type (HMSNO). Also called: HEREDITARY MOTOR AND SENSORY NEUROPATHY, PROXIMAL TYPE. Identifiers: Orphanet 90117, MedGen C1858338, MONDO:0011468, OMIM 604484.

Allele frequency attached by ClinVar (database versions not stated): ExAC 0.00001; TOPMed 0.00002; gnomAD 0.00004; 1000 Genomes Project 0.00020; 1000 Genomes Project 30x 0.00031.
gnomAD v4.1: 10 of 1,610,734 alleles (0.00062%); highest among the groups gnomAD compares: Admixed American, 0.0085%; no homozygotes.

Submission:

Labcorp Genetics (formerly Invitae), Labcorp
Classification: Uncertain significance for Hereditary motor and sensory neuropathy, Okinawa type; Hereditary spastic paraplegia 57. Last evaluated: 2024-05-20. Review status: criteria provided, single submitter. Criteria: Invitae Variant Classification Sherloc (09022015). Collection method: clinical testing. Allele origin: germline.
Comment: This sequence change falls in intron 5 of the TFG gene. It does not directly change the encoded amino acid sequence of the TFG protein. This variant is present in population databases (rs536761688, gnomAD 0.01%). This variant has not been reported in the literature in individuals affected with TFG-related conditions. ClinVar contains an entry for this variant (Variation ID: 2137304). Algorithms developed to predict the effect of sequence changes on RNA splicing suggest that this variant may create or strengthen a splice site. In summary, the available evidence is currently insufficient to determine the role of this variant in disease. Therefore, it has been classified as a Variant of Uncertain Significance.

NM_006070.6(TFG):c.581-8C>G

Gene: TFG (trafficking from ER to golgi regulator; plus strand). Cytogenetic location: 3q12.2.
Variant type: single nucleotide variant.
Coding change: c.581-8C>G on transcript NM_006070.6 (MANE Select); 8 bases into the intron before coding-DNA position 581, C replaced by G.
Molecular consequence: intron variant.
Genome position (GRCh38, 1-based): chr3:100,736,568, C>G. VCF-style: chr3-100736568-C-G. GRCh37 (hg19) VCF-style: chr3-100455412-C-G.
Other names: c.581-8C>G (NM_001007565.2, NM_001195479.2, NM_001195478.2).
Identifiers: ClinVar variation 2137304 (VCV002137304.4), dbSNP rs536761688, ClinGen allele CA2517132.